The following is an entry in ClinVar:

ClinVar aggregate classification (germline): Benign (1 of 4 stars; one submission).

Allele frequency attached by ClinVar (database versions not stated): gnomAD 0.15565; TOPMed 0.16604; gnomAD exomes 0.18898; 1000 Genomes Project 30x 0.20378; 1000 Genomes Project 0.20707.
gnomAD v4.1: 60,873 of 344,780 alleles (18%); highest among the groups gnomAD compares: East Asian, 35%; 6,483 homozygotes.

Submission:

GeneDx
Classification: Benign. Last evaluated: 2018-06-18. Review status: criteria provided, single submitter. Criteria: GeneDx Variant Classification (06012015). Collection method: clinical testing. Allele origin: germline. Affected: yes.
Comment: This variant is considered likely benign or benign based on one or more of the following criteria: it is a conservative change, it occurs at a poorly conserved position in the protein, it is predicted to be benign by multiple in silico algorithms, and/or has population frequency not consistent with disease.

NM_000814.6(GABRB3):c.240+296C>A

Gene: GABRB3 (gamma-aminobutyric acid type A receptor subunit beta3; minus strand). Cytogenetic location: 15q12.
Variant type: single nucleotide variant.
Coding change: c.240+296C>A on transcript NM_000814.6 (MANE Select); 296 bases into the intron after coding-DNA position 240, C replaced by A.
Molecular consequence: intron variant.
Genome position (GRCh38, 1-based): chr15:26,772,106, G>T on the plus strand (C>A on the coding strand, the complement: GABRB3 is on the minus strand). VCF-style: chr15-26772106-G-T. GRCh37 (hg19) VCF-style: chr15-27017253-G-T.
Other names: c.240+296C>A (NM_021912.5); c.-112+296C>A (NM_001278631.2).
Identifiers: ClinVar variation 668792 (VCV000668792.1), dbSNP rs45486192, ClinGen allele CA14128239.